The following is an entry in ClinVar:

NM_000718.4(CACNA1B):c.2385G>C (p.Glu795Asp)

Gene: CACNA1B (calcium voltage-gated channel subunit alpha1 B; plus strand). Cytogenetic location: 9q34.3.
Variant type: single nucleotide variant.
Coding change: c.2385G>C on transcript NM_000718.4 (MANE Select); coding-DNA position 2385, G replaced by C.
Protein change: p.Glu795Asp; replaces glutamic acid 795 with aspartic acid.
Molecular consequence: missense variant.
Genome position (GRCh38, 1-based): chr9:138,023,128, G>C. VCF-style: chr9-138023128-G-C. GRCh37 (hg19) VCF-style: chr9-140917580-G-C.
Other names: c.2385G>C, p.Glu795Asp (NM_001243812.2); c.2385G>C (NM_000718.3); short protein forms E795D.
Identifiers: ClinVar variation 2138236 (VCV002138236.4), dbSNP rs199877794, ClinGen allele CA5376472.

ClinVar aggregate classification (germline): Uncertain significance. Review status: criteria provided, multiple submitters, no conflicts (2 of 4 stars). 2 submissions from 2 submitters: Uncertain significance (2). Last evaluated 2025-02-13.

Allele frequency attached by ClinVar (database versions not stated): gnomAD 0.00009.
gnomAD v4.1: 414 of 1,536,788 alleles (0.027%); highest among the groups gnomAD compares: Non-Finnish European, 0.034%; no homozygotes.

Submissions (2):

Ambry Genetics
Classification: Uncertain significance. Last evaluated: 2025-02-13. Review status: criteria provided, single submitter. Criteria: Ambry Variant Classification Scheme 2023. Collection method: clinical testing. Allele origin: germline.

Labcorp Genetics (formerly Invitae), Labcorp
Classification: Uncertain significance. Last evaluated: 2022-06-26. Review status: criteria provided, single submitter. Criteria: Invitae Variant Classification Sherloc (09022015). Collection method: clinical testing. Allele origin: germline.
Comment: This sequence change replaces glutamic acid, which is acidic and polar, with aspartic acid, which is acidic and polar, at codon 795 of the CACNA1B protein (p.Glu795Asp). This variant is present in population databases (rs199877794, gnomAD 0.01%). This variant has not been reported in the literature in individuals affected with CACNA1B-related conditions. Advanced modeling of protein sequence and biophysical properties (such as structural, functional, and spatial information, amino acid conservation, physicochemical variation, residue mobility, and thermodynamic stability) performed at Invitae indicates that this missense variant is not expected to disrupt CACNA1B protein function. In summary, the available evidence is currently insufficient to determine the role of this variant in disease. Therefore, it has been classified as a Variant of Uncertain Significance.